The following is an entry in ClinVar:

ClinVar aggregate classification (germline): Uncertain significance. Review status: criteria provided, multiple submitters, no conflicts (2 of 4 stars). 2 submissions from 2 submitters: Uncertain significance (2). Last evaluated 2026-09-17.

Conditions:
PLAUR-related disorder. Also called: PLAUR-related condition.

gnomAD v4.1: 1 of 1,613,738 alleles (0.000062%); highest among the groups gnomAD compares: Admixed American, 0.0017%; no homozygotes.

Submissions (2):

PreventionGenetics, part of Exact Sciences
Classification: Uncertain significance for PLAUR-related condition. Last evaluated: 2026-09-17. Review status: criteria provided, single submitter. Criteria: ACMG Guidelines, 2015. Collection method: clinical testing. Allele origin: germline.
Comment: The PLAUR c.239G>C variant is predicted to result in the amino acid substitution p.Arg80Pro. To our knowledge, this variant has not been reported in the literature or in a large population database (gnomAD), indicating this variant is rare. An alternate missense change at the same amino acid position (p.Arg80Trp) has been reported as a de novo variant in at least one individual with autism (Zhou et al. 2022. PubMed ID: 35982159; Fu et al. 2022. PubMed ID: 35982160). At this time, the clinical significance of the c.239G>C (p.Arg80Pro) variant is uncertain due to the absence of conclusive functional and genetic evidence.

Ambry Genetics
Classification: Uncertain significance. Last evaluated: 2023-11-17. Review status: criteria provided, single submitter. Criteria: Ambry Variant Classification Scheme 2023. Collection method: clinical testing. Allele origin: germline.

NM_002659.4(PLAUR):c.239G>C (p.Arg80Pro)

Gene: PLAUR (plasminogen activator, urokinase receptor; minus strand). Cytogenetic location: 19q13.31.
Variant type: single nucleotide variant.
Coding change: c.239G>C on transcript NM_002659.4 (MANE Select); coding-DNA position 239, G replaced by C.
Protein change: p.Arg80Pro; replaces arginine 80 with proline.
Molecular consequence: missense variant.
Genome position (GRCh38, 1-based): chr19:43,665,387, C>G on the plus strand (G>C on the coding strand, the complement: PLAUR is on the minus strand). VCF-style: chr19-43665387-C-G. GRCh37 (hg19) VCF-style: chr19-44169539-C-G.
Other names: c.239G>C, p.Arg80Pro (NM_001005376.3, NM_001005377.3, NM_001301037.2); short protein forms R80P.
Identifiers: ClinVar variation 3214312 (VCV003214312.2), dbSNP rs977635101, ClinGen allele CA406186419.